The following is an entry in ClinVar:

ClinVar aggregate classification (germline): Benign/Likely benign. Review status: criteria provided, multiple submitters, no conflicts (2 of 4 stars). 5 submissions from 5 submitters: Benign (3); Likely benign (2). Last evaluated 2026-08-20.

Conditions:
Hypercholesterolemia, familial, 4 (FHCL4). Also called: HYPERCHOLESTEROLEMIA, AUTOSOMAL RECESSIVE, 1; HYPERCHOLESTEROLEMIA, AUTOSOMAL RECESSIVE, 2. Identifiers: Orphanet 391665, MedGen C1863512, MONDO:0011374, OMIM 603813.
Familial hypercholesterolemia. Also called: Familial hypercholesterolaemia; Familial hypercholesterolemias. Identifiers: MedGen C0020445, MONDO:0005439.

Allele frequency attached by ClinVar (database versions not stated): ExAC below 0.00001; gnomAD exomes 0.00076; gnomAD 0.00294 and 0.00306; TOPMed 0.00369; 1000 Genomes Project 30x 0.00531; 1000 Genomes Project 0.00599.
gnomAD v4.1: 1,261 of 1,187,850 alleles (0.11%); highest among the groups gnomAD compares: East Asian, 2.1%; 12 homozygotes.

Submissions (5):

Cambridge Genomics Laboratory, East Genomic Laboratory Hub, NHS Genomic Medicine Service
Classification: Likely benign for Familial hypercholesterolaemia. Last evaluated: 2026-08-20. Review status: criteria provided, single submitter. Criteria: ACGS Best Practice Guidelines for Variant Classification in Rare Disease 2020. Collection method: clinical testing. Allele origin: germline. Affected: yes.
Comment: BS1_Strong,BP4

Blueprint Genetics
Classification: Likely benign. Last evaluated: 2024-11-21. Review status: criteria provided, single submitter. Criteria: ACMG Guidelines, 2015. Collection method: clinical testing. Allele origin: germline.

GENinCode PLC
Classification: Benign for Hypercholesterolemia, familial, 4. Last evaluated: 2023-03-31. Review status: criteria provided, single submitter. Criteria: ACMG Guidelines, 2015. Collection method: clinical testing. Allele origin: germline.

Illumina Laboratory Services, Illumina
Classification: Benign for Hypercholesterolemia, familial, 4. Last evaluated: 2018-01-12. Review status: criteria provided, single submitter. Criteria: ICSL Variant Classification Criteria 13 December 2019. Collection method: clinical testing. Allele origin: germline.
Comment: This variant was observed in the ICSL laboratory as part of a predisposition screen in an ostensibly healthy population. It had not been previously curated by ICSL or reported in the Human Gene Mutation Database (HGMD: prior to June 1st, 2018), and was therefore a candidate for classification through an automated scoring system. Utilizing variant allele frequency, disease prevalence and penetrance estimates, and inheritance mode, an automated score was calculated to assess if this variant is too frequent to cause the disease. Based on the score and internal cut-off values, a variant classified as benign is not then subjected to further curation. The score for this variant resulted in a classification of benign for this disease.

Breakthrough Genomics
Classification: Benign. Review status: criteria provided, single submitter. Criteria: ACMG Guidelines, 2015. Collection method: not provided. Allele origin: germline. Inheritance: Autosomal recessive inheritance. Affected: yes.

NM_015627.3(LDLRAP1):c.-46G>C

Genes: LDLRAP1 (low density lipoprotein receptor adaptor protein 1; plus strand), LOC129929773 (ATAC-STARR-seq lymphoblastoid silent region 456; plus strand). Cytogenetic location: 1p36.11.
Variant type: single nucleotide variant.
Coding change: c.-46G>C on transcript NM_015627.3 (MANE Select); 46 bases upstream of the start codon, G replaced by C.
Molecular consequence: 5 prime UTR variant.
Genome position (GRCh38, 1-based): chr1:25,543,653, G>C. VCF-style: chr1-25543653-G-C. GRCh37 (hg19) VCF-style: chr1-25870144-G-C.
Identifiers: ClinVar variation 296969 (VCV000296969.8), dbSNP rs146258998, ClinGen allele CA695415.